The following is an entry in ClinVar:

NM_005413.4(SIX3):c.271C>T (p.Gln91Ter)

Gene: SIX3 (SIX homeobox 3; plus strand). Cytogenetic location: 2p21.
Variant type: single nucleotide variant.
Coding change: c.271C>T on transcript NM_005413.4 (MANE Select); coding-DNA position 271, C replaced by T.
Protein change: p.Gln91Ter; replaces glutamine 91 with a stop codon.
Molecular consequence: nonsense.
Genome position (GRCh38, 1-based): chr2:44,942,375, C>T. VCF-style: chr2-44942375-C-T. GRCh37 (hg19) VCF-style: chr2-45169514-C-T.
Other names: short protein forms Q91*.
Identifiers: ClinVar variation 2500510 (VCV002500510.2), dbSNP rs2466513754, ClinGen allele CA346799215.
Genomic context (GRCh38, chr2:44,942,375, plus strand): 5'-AGGGCCCCCCCGGAAGAGTTGTCCATGTTCCAGCTGCCCACCCTCAACTTCTCGCCGGAG[C>T]AGGTGGCCAGCGTCTGTGAGACGCTGGAGGAGACGGGCGACATCGAGCGGCTGGGCCGCT-3'

ClinVar aggregate classification (germline): Pathogenic (1 of 4 stars; one submission).

Submission:

GeneDx
Classification: Pathogenic. Last evaluated: 2026-02-25. Review status: criteria provided, single submitter. Criteria: GeneDx Variant Classification Process June 2021. Collection method: clinical testing. Allele origin: germline.
Comment: Nonsense variant predicted to result in protein truncation or nonsense mediated decay in a gene for which loss of function is a known mechanism of disease; Not observed at significant frequency in large population cohorts (gnomAD); Reported in a patient with holoprosencephaly in the published literature; reported as c.271 C>T; p.(Gln70*) (PMID: 22310223); This variant is associated with the following publications: (PMID: 22310223)